The following is an entry in ClinVar:

ClinVar aggregate classification (germline): Uncertain significance (1 of 4 stars; one submission).

Allele frequency attached by ClinVar (database versions not stated): gnomAD exomes 0.00001; gnomAD 0.00002; TOPMed 0.00002.
gnomAD v4.1: 8 of 1,177,112 alleles (0.00068%); highest among the groups gnomAD compares: African/African-American, 0.0065%; no homozygotes.

Submission:

Labcorp Genetics (formerly Invitae), Labcorp
Classification: Uncertain significance. Last evaluated: 2023-12-21. Review status: criteria provided, single submitter. Criteria: Invitae Variant Classification Sherloc (09022015). Collection method: clinical testing. Allele origin: germline.
Comment: This sequence change replaces glycine, which is neutral and non-polar, with glutamic acid, which is acidic and polar, at codon 8 of the ROR1 protein (p.Gly8Glu). This variant is present in population databases (no rsID available, gnomAD 0.02%). This variant has not been reported in the literature in individuals affected with ROR1-related conditions. ClinVar contains an entry for this variant (Variation ID: 1933914). Experimental studies and prediction algorithms are not available or were not evaluated, and the functional significance of this variant is currently unknown. In summary, the available evidence is currently insufficient to determine the role of this variant in disease. Therefore, it has been classified as a Variant of Uncertain Significance.

NM_005012.4(ROR1):c.23G>A (p.Gly8Glu)

Gene: ROR1 (receptor tyrosine kinase like orphan receptor 1; plus strand). Cytogenetic location: 1p31.3.
Variant type: single nucleotide variant.
Coding change: c.23G>A on transcript NM_005012.4 (MANE Select); coding-DNA position 23, G replaced by A.
Protein change: p.Gly8Glu; replaces glycine 8 with glutamic acid.
Molecular consequence: missense variant.
Genome position (GRCh38, 1-based): chr1:63,774,440, G>A. VCF-style: chr1-63774440-G-A. GRCh37 (hg19) VCF-style: chr1-64240111-G-A.
Other names: c.23G>A, p.Gly8Glu (NM_001083592.2); short protein forms G8E.
Identifiers: ClinVar variation 1933914 (VCV001933914.5), dbSNP rs964935302, ClinGen allele CA24165082.